The following is an entry in ClinVar:

ClinVar aggregate classification (germline): Likely pathogenic. Review status: criteria provided, multiple submitters, no conflicts (2 of 4 stars). 2 submissions from 2 submitters: Likely pathogenic (2). Last evaluated 2024-01-04.

Conditions:
Beta-D-mannosidosis (MANSB). Also called: Beta-Mannosidosis; MANNOSIDOSIS, BETA A, LYSOSOMAL; BETA-MANNOSIDASE DEFICIENCY; LYSOSOMAL BETA-MANNOSIDASE DEFICIENCY. Identifiers: Orphanet 118, MedGen C4048196, MONDO:0009562, OMIM 248510.

Allele frequency attached by ClinVar (database versions not stated): gnomAD 0.00001; gnomAD exomes 0.00001; ExAC 0.00004; 1000 Genomes Project 30x 0.00016; 1000 Genomes Project 0.00020.
gnomAD v4.1: 11 of 1,603,906 alleles (0.00069%); no homozygotes.

Submissions (2):

Labcorp Genetics (formerly Invitae), Labcorp
Classification: Likely pathogenic for Beta-D-mannosidosis. Last evaluated: 2024-01-04. Review status: criteria provided, single submitter. Criteria: Invitae Variant Classification Sherloc (09022015). Collection method: clinical testing. Allele origin: germline.
Comment: This sequence change affects a donor splice site in intron 5 of the MANBA gene. It is expected to disrupt RNA splicing. Variants that disrupt the donor or acceptor splice site typically lead to a loss of protein function (PMID: 16199547), and loss-of-function variants in MANBA are known to be pathogenic (PMID: 9384606, 12468273). This variant is present in population databases (rs200384040, gnomAD 0.02%). This variant has not been reported in the literature in individuals affected with MANBA-related conditions. Algorithms developed to predict the effect of sequence changes on RNA splicing suggest that this variant may disrupt the consensus splice site. In summary, the currently available evidence indicates that the variant is pathogenic, but additional data are needed to prove that conclusively. Therefore, this variant has been classified as Likely Pathogenic.

Juno Genomics, Hangzhou Juno Genomics, Inc
Classification: Likely pathogenic for Beta-D-mannosidosis. Review status: criteria provided, single submitter. Criteria: ACMG Guidelines, 2015. Collection method: clinical testing. Allele origin: germline. Affected: yes.
Comment: Absent from controls (or at extremely low frequency if recessive) in Genome Aggregation Database, Exome Sequencing Project, 1000 Genomes Project, or Exome Aggregation Consortium.;Null variant in a gene where loss of function (LOF) is a known mechanism of disease.

Literature cited by the submitters: PubMed 16199547 (cited by Labcorp Genetics (formerly Invitae), Labcorp); PubMed 9384606 (cited by Labcorp Genetics (formerly Invitae), Labcorp); PubMed 12468273 (cited by Labcorp Genetics (formerly Invitae), Labcorp).

NM_005908.4(MANBA):c.673+1G>A

Gene: MANBA (mannosidase beta; minus strand). Cytogenetic location: 4q24.
Variant type: single nucleotide variant.
Coding change: c.673+1G>A on transcript NM_005908.4 (MANE Select); the canonical splice donor site of the intron after coding-DNA position 673, G replaced by A.
Molecular consequence: splice donor variant.
Genome position (GRCh38, 1-based): chr4:102,714,437, C>T on the plus strand (G>A on the coding strand, the complement: MANBA is on the minus strand). VCF-style: chr4-102714437-C-T. GRCh37 (hg19) VCF-style: chr4-103635594-C-T.
Identifiers: ClinVar variation 2812474 (VCV002812474.6), dbSNP rs200384040, ClinGen allele CA3027158.
Genomic context (GRCh38, chr4:102,714,437, plus strand): 5'-AAACCCAATTTTTATAACAAGAAGACTCAAAAAGAAAAAAAAATCACATCTTTCAGCTTA[C>T]CATATATTGGGGAAAATGTGAAGTAGTTCAGGTGACAAATATTATAGGCTTCAATTCTAA-3'